The following is an entry in ClinVar:

NM_033004.4(NLRP1):c.3275A>T (p.Asp1092Val)

Gene: NLRP1 (NLR family pyrin domain containing 1; minus strand). Cytogenetic location: 17p13.2.
Variant type: single nucleotide variant.
Coding change: c.3275A>T on transcript NM_033004.4 (MANE Select); coding-DNA position 3275, A replaced by T.
Protein change: p.Asp1092Val; replaces aspartic acid 1092 with valine.
Molecular consequence: missense variant.
Genome position (GRCh38, 1-based): chr17:5,532,843, T>A on the plus strand (A>T on the coding strand, the complement: NLRP1 is on the minus strand). VCF-style: chr17-5532843-T-A. GRCh37 (hg19) VCF-style: chr17-5436163-T-A.
Other names: c.3287A>T, p.Asp1096Val (NM_001033053.3); c.3275A>T, p.Asp1092Val (NM_014922.5); c.3185A>T, p.Asp1062Val (NM_033006.4, NM_033007.4); c.3275A>T (NM_033004.3); short protein forms D1096V, D1062V, D1092V.
Identifiers: ClinVar variation 1415843 (VCV001415843.8), dbSNP rs147476143, ClinGen allele CA8326886.

ClinVar aggregate classification (germline): Uncertain significance. Review status: criteria provided, multiple submitters, no conflicts (2 of 4 stars). 2 submissions from 2 submitters: Uncertain significance (2). Last evaluated 2025-12-11.

Conditions:
Inborn genetic diseases. Identifiers: MedGen C0950123, MeSH D030342.

Allele frequency attached by ClinVar (database versions not stated): gnomAD 0.00002 and 0.00003; TOPMed 0.00002; ExAC 0.00004; gnomAD exomes 0.00004 and 0.00012; ESP Exome Variant Server 0.00015; 1000 Genomes Project 30x 0.00016; 1000 Genomes Project 0.00020.
gnomAD v4.1: 184 of 1,605,862 alleles (0.011%); highest among the groups gnomAD compares: Non-Finnish European, 0.015%; no homozygotes.

Submissions (2):

Ambry Genetics
Classification: Uncertain significance for Inborn genetic diseases. Last evaluated: 2025-12-11. Review status: criteria provided, single submitter. Criteria: Ambry Variant Classification Scheme 2023. Collection method: clinical testing. Allele origin: germline.
Comment: The c.3275A>T (p.D1092V) alteration is located in exon 11 (coding exon 11) of the NLRP1 gene. This alteration results from a A to T substitution at nucleotide position 3275, causing the aspartic acid (D) at amino acid position 1092 to be replaced by a valine (V). Based on data from gnomAD, the T allele has an overall frequency of 0.004% (11/274396) total alleles studied. The highest observed frequency was 0.009% (11/126318) of European (non-Finnish) alleles. Based on insufficient or conflicting evidence, the clinical significance of this alteration remains unclear.

Labcorp Genetics (formerly Invitae), Labcorp
Classification: Uncertain significance. Last evaluated: 2025-08-12. Review status: criteria provided, single submitter. Criteria: Invitae Variant Classification Sherloc (09022015). Collection method: clinical testing. Allele origin: germline.
Comment: This sequence change replaces aspartic acid, which is acidic and polar, with valine, which is neutral and non-polar, at codon 1092 of the NLRP1 protein (p.Asp1092Val). This variant is present in population databases (rs147476143, gnomAD 0.006%). This variant has not been reported in the literature in individuals affected with NLRP1-related conditions. ClinVar contains an entry for this variant (Variation ID: 1415843). An algorithm developed to predict the effect of missense changes on protein structure and function (PolyPhen-2) suggests that this variant is likely to be disruptive. In summary, the available evidence is currently insufficient to determine the role of this variant in disease. Therefore, it has been classified as a Variant of Uncertain Significance.